The following is an entry in ClinVar:

NM_005391.5(PDK3):c.197T>G (p.Leu66Arg)

Gene: PDK3 (pyruvate dehydrogenase kinase 3; plus strand). Cytogenetic location: Xp22.11.
Variant type: single nucleotide variant.
Coding change: c.197T>G on transcript NM_005391.5 (MANE Select); coding-DNA position 197, T replaced by G.
Protein change: p.Leu66Arg; replaces leucine 66 with arginine.
Molecular consequence: missense variant.
Genome position (GRCh38, 1-based): chrX:24,494,832, T>G. VCF-style: chrX-24494832-T-G. GRCh37 (hg19) VCF-style: chrX-24512949-T-G.
Other names: c.197T>G, p.Leu66Arg (NM_001142386.3); short protein forms L66R.
Identifiers: ClinVar variation 3720660 (VCV003720660.2).
Genomic context (GRCh38, chrX:24,494,832, plus strand): 5'-ATATGTTTCTACGAAAGGAACTTCCTGTGCGGCTGGCTAACACAATGAGAGAAGTTAATC[T>G]TCTGCCGGATAATTTACTTAACCGCCCTTCAGTGGGATTGGTTCAGAGTTGGTAAGTAAA-3'
Protein context (NP_005382.1, residues 56-76): RLANTMREVN[Leu66Arg]LPDNLLNRPS

ClinVar aggregate classification (germline): Uncertain significance (1 of 4 stars; one submission).

Conditions:
Charcot-Marie-Tooth disease X-linked dominant 6. Also called: CHARCOT-MARIE-TOOTH NEUROPATHY, X-LINKED DOMINANT, 6. Identifiers: Orphanet 352675, MedGen C3806702, MONDO:0010479, OMIM 300905.

Submission:

Labcorp Genetics (formerly Invitae), Labcorp
Classification: Uncertain significance for Charcot-Marie-Tooth disease X-linked dominant 6. Last evaluated: 2024-10-07. Review status: criteria provided, single submitter. Criteria: Invitae Variant Classification Sherloc (09022015). Collection method: clinical testing. Allele origin: germline.
Comment: This sequence change replaces leucine, which is neutral and non-polar, with arginine, which is basic and polar, at codon 66 of the PDK3 protein (p.Leu66Arg). This variant is not present in population databases (gnomAD no frequency). This variant has not been reported in the literature in individuals affected with PDK3-related conditions. Invitae Evidence Modeling of protein sequence and biophysical properties (such as structural, functional, and spatial information, amino acid conservation, physicochemical variation, residue mobility, and thermodynamic stability) indicates that this missense variant is not expected to disrupt PDK3 protein function with a negative predictive value of 80%. In summary, the available evidence is currently insufficient to determine the role of this variant in disease. Therefore, it has been classified as a Variant of Uncertain Significance.